The following is an entry in ClinVar:

NM_001242896.3(DEPDC5):c.2352C>A (p.Asp784Glu)

Gene: DEPDC5 (DEP domain containing 5, GATOR1 subcomplex subunit; plus strand). Cytogenetic location: 22q12.3.
Variant type: single nucleotide variant.
Coding change: c.2352C>A on transcript NM_001242896.3 (MANE Select); coding-DNA position 2352, C replaced by A.
Protein change: p.Asp784Glu; replaces aspartic acid 784 with glutamic acid.
Molecular consequence: missense variant. On other transcripts: non-coding transcript variant (5).
Genome position (GRCh38, 1-based): chr22:31,837,153, C>A. VCF-style: chr22-31837153-C-A. GRCh37 (hg19) VCF-style: chr22-32233139-C-A.
Other names: c.2118C>A, p.Asp706Glu (NM_001242897.2, NM_001363854.2, NM_001364319.2); c.2352C>A, p.Asp784Glu (NM_001363852.2, NM_001364318.2, NM_001364320.2); c.2268C>A, p.Asp756Glu (NM_001369901.1, NM_001369902.1); c.2325C>A, p.Asp775Glu (NM_001136029.4, NM_001369903.1, NM_014662.6); short protein forms D706E, D784E, D756E, D775E.
Identifiers: ClinVar variation 3707811 (VCV003707811.2).
Genomic context (GRCh38, chr22:31,837,153, plus strand): 5'-GGGCCTGCAGAATGACTACACAGAGGGCTGTTATGATCTCCTTCCAGAAGCAGACATCGA[C>A]AGGTCAGTGTCAGAGAAAAAGGCACTTGGCTTGGTTGGTGAGGGTTTCGGATATATCCCA-3'
Protein context (NP_001229825.1, residues 774-794): CYDLLPEADI[Asp784Glu]RRDEDGVQMT

ClinVar aggregate classification (germline): Uncertain significance (1 of 4 stars; one submission).

Conditions:
Familial focal epilepsy with variable foci (FPEVF). Identifiers: Orphanet 98820, MedGen C1858477, MONDO:0020310.

gnomAD v4.1: 3 of 1,614,092 alleles (0.00019%); highest among the groups gnomAD compares: East Asian, 0.0067%; no homozygotes.

Submission:

Labcorp Genetics (formerly Invitae), Labcorp
Classification: Uncertain significance for Familial focal epilepsy with variable foci. Last evaluated: 2024-06-18. Review status: criteria provided, single submitter. Criteria: Invitae Variant Classification Sherloc (09022015). Collection method: clinical testing. Allele origin: germline.
Comment: This sequence change replaces aspartic acid, which is acidic and polar, with glutamic acid, which is acidic and polar, at codon 784 of the DEPDC5 protein (p.Asp784Glu). This variant is present in population databases (rs765324808, gnomAD 0.01%). This variant has not been reported in the literature in individuals affected with DEPDC5-related conditions. Experimental studies and prediction algorithms are not available or were not evaluated, and the functional significance of this variant is currently unknown. In summary, the available evidence is currently insufficient to determine the role of this variant in disease. Therefore, it has been classified as a Variant of Uncertain Significance.